The following is an entry in ClinVar:

NM_001080449.3(DNA2):c.2278_2279del (p.Ile760fs)

Gene: DNA2 (DNA replication helicase/nuclease 2; minus strand). Cytogenetic location: 10q21.3.
Variant type: Deletion.
Coding change: c.2278_2279del on transcript NM_001080449.3 (MANE Select); coding-DNA positions 2278 to 2279, 2 bases deleted (AT; older notation c.2278_2279delAT).
Protein change: p.Ile760fs; shifts the reading frame from isoleucine 760.
Molecular consequence: frameshift variant. On other transcripts: non-coding transcript variant (1).
Genome position (GRCh38, 1-based): chr10:68,422,820-68,422,821, AT deleted on the plus strand (AT on the coding strand, the reverse complement: DNA2 is on the minus strand); deleting any 2 consecutive bases within chr10:68,422,820-68,422,822 gives the same sequence; the c. name uses the placement nearest the transcript's 3' end. VCF-style (leftmost placement, unchanged base first): chr10-68422819-AAT-A. GRCh37 (hg19) VCF-style: chr10-70182576-AAT-A.
Other names: short protein forms I760fs.
Identifiers: ClinVar variation 2036160 (VCV002036160.4), dbSNP rs2493904274, ClinGen allele CA2580081740.

ClinVar aggregate classification (germline): Uncertain significance (1 of 4 stars; one submission).

Submission:

Labcorp Genetics (formerly Invitae), Labcorp
Classification: Uncertain significance. Last evaluated: 2022-10-19. Review status: criteria provided, single submitter. Criteria: Invitae Variant Classification Sherloc (09022015). Collection method: clinical testing. Allele origin: germline.
Comment: This sequence change creates a premature translational stop signal (p.Ile760Cysfs*3) in the DNA2 gene. It is expected to result in an absent or disrupted protein product. However, the current clinical and genetic evidence is not sufficient to establish whether loss-of-function variants in DNA2 cause disease. This variant is not present in population databases (gnomAD no frequency). This variant has not been reported in the literature in individuals affected with DNA2-related conditions. In summary, the available evidence is currently insufficient to determine the role of this variant in disease. Therefore, it has been classified as a Variant of Uncertain Significance.